The following is an entry in ClinVar:

ClinVar aggregate classification (germline): Likely pathogenic (0 of 4 stars; one submission).

Conditions:
GIGYF1-related disorder. Also called: GIGYF1-related condition.

Submission:

PreventionGenetics, part of Exact Sciences
Classification: Likely pathogenic for GIGYF1-related condition. Last evaluated: 2024-02-20. Review status: no assertion criteria provided. Collection method: clinical testing. Allele origin: germline.
Comment: The GIGYF1 c.425delA variant is predicted to result in a frameshift and premature protein termination (p.Asp142Valfs*203). To our knowledge, this variant has not been reported in the literature or in a large population database, indicating this variant is rare. Frameshift variants in GIGYF1 are expected to be pathogenic. This variant is interpreted as likely pathogenic.

NM_001375765.1(GIGYF1):c.425del (p.Asp142fs)

Gene: GIGYF1 (GRB10 interacting GYF protein 1; minus strand). Cytogenetic location: 7q22.1.
Variant type: Deletion.
Coding change: c.425del on transcript NM_001375765.1 (MANE Select); coding-DNA position 425, one base deleted (A; older notation c.425delA).
Protein change: p.Asp142fs; shifts the reading frame from aspartic acid 142.
Molecular consequence: frameshift variant. On other transcripts: non-coding transcript variant (1).
Genome position (GRCh38, 1-based): chr7:100,687,355, T deleted on the plus strand (A on the coding strand, the reverse complement: GIGYF1 is on the minus strand). VCF-style (leftmost placement, unchanged base first): chr7-100687354-AT-A. GRCh37 (hg19) VCF-style: chr7-100284977-AT-A.
Other names: NM_022574.4:c.425delA; c.425del, p.Asp142fs (NM_001375759.1, NM_001375760.1, NM_001375761.1 and 6 more transcripts); short protein forms D142fs.
Identifiers: ClinVar variation 3061160 (VCV003061160.2), dbSNP rs2486276957, ClinGen allele CA2740097431.
Genomic context (GRCh38, chr7:100,687,354, plus strand): 5'-CCACCTGTCATCCCAGCTCTGGCTGCGCTGGATTTCCCGGGGGCTTCGTCCAAAGGCCCC[AT>A]CGCCTTCTTCGATGCTTCTTTGGTAAAAGCAGCTGTCACCACGGCCGCGGCCTAGAGAAG-3'